The following is an entry in ClinVar:

ClinVar aggregate classification (germline): Uncertain significance. Review status: criteria provided, multiple submitters, no conflicts (2 of 4 stars). 2 submissions from 2 submitters: Uncertain significance (2). Last evaluated 2025-02-15.

Conditions:
Long QT syndrome (LQTS). Identifiers: MedGen C0023976, MeSH D008133, MONDO:0002442. Disease mechanism: loss of function. Inheritance: Various modes of inheritance.

Submissions (2):

Labcorp Genetics (formerly Invitae), Labcorp
Classification: Uncertain significance for Long QT syndrome. Last evaluated: 2025-02-15. Review status: criteria provided, single submitter. Criteria: Invitae Variant Classification Sherloc (09022015). Collection method: clinical testing. Allele origin: germline.
Comment: This sequence change replaces phenylalanine, which is neutral and non-polar, with serine, which is neutral and polar, at codon 65 of the CAV3 protein (p.Phe65Ser). This variant is not present in population databases (gnomAD no frequency). This missense change has been observed in individual(s) with clinical features of CAV3-related conditions (internal data). ClinVar contains an entry for this variant (Variation ID: 1010815). An algorithm developed to predict the effect of missense changes on protein structure and function (PolyPhen-2) suggests that this variant is likely to be disruptive. In summary, the available evidence is currently insufficient to determine the role of this variant in disease. Therefore, it has been classified as a Variant of Uncertain Significance.

Revvity Omics, Revvity
Classification: Uncertain significance. Last evaluated: 2022-01-13. Review status: criteria provided, single submitter. Criteria: ACMG Guidelines, 2015. Collection method: clinical testing. Allele origin: germline.

NM_033337.3(CAV3):c.194T>C (p.Phe65Ser)

Genes: CAV3 (caveolin 3; plus strand), OXTR (oxytocin receptor; minus strand). Cytogenetic location: 3p25.3.
Variant type: single nucleotide variant.
Coding change: c.194T>C on transcript NM_033337.3 (MANE Select); coding-DNA position 194, T replaced by C.
Protein change: p.Phe65Ser; replaces phenylalanine 65 with serine.
Molecular consequence: missense variant.
Genome position (GRCh38, 1-based): chr3:8,745,605, T>C. VCF-style: chr3-8745605-T-C. GRCh37 (hg19) VCF-style: chr3-8787291-T-C.
Other names: c.194T>C, p.Phe65Ser (NM_001234.5); short protein forms F65S.
Identifiers: ClinVar variation 1010815 (VCV001010815.8), dbSNP rs1708132892, ClinGen allele CA351663267.